The following is an entry in ClinVar:

NM_002458.3(MUC5B):c.11750C>G (p.Thr3917Arg)

Genes: MUC5B (mucin 5B, oligomeric mucus/gel-forming; plus strand), MUC5B-AS1 (MUC5B antisense RNA 1; minus strand). Cytogenetic location: 11p15.5.
Variant type: single nucleotide variant.
Coding change: c.11750C>G on transcript NM_002458.3 (MANE Select); coding-DNA position 11750, C replaced by G.
Protein change: p.Thr3917Arg; replaces threonine 3917 with arginine.
Molecular consequence: missense variant.
Genome position (GRCh38, 1-based): chr11:1,248,630, C>G. VCF-style: chr11-1248630-C-G. GRCh37 (hg19) VCF-style: chr11-1269860-C-G.
Other names: short protein forms T3917R.
Identifiers: ClinVar variation 3387971 (VCV003387971.14).
Genomic context (GRCh38, chr11:1,248,630, plus strand): 5'-CCACAACCAGTGGCTCCACGGTGACCCCCTCCTCCGTCCCGGGGACCACCCACACCCCCA[C>G]AGTGCTGACCACCACCACCACAACTGTGGCCACTGGTTCTATGGCAACACCCTCCTCTAG-3'
Protein context (NP_002449.2, residues 3907-3927): SSVPGTTHTP[Thr3917Arg]VLTTTTTTVA

ClinVar aggregate classification (germline): Likely benign (1 of 4 stars; one submission).

gnomAD v4.1: 19,677 of 1,561,694 alleles (1.3%); highest among the groups gnomAD compares: African/African-American, 1.5%; 5 homozygotes.

Submission:

CeGaT Center for Human Genetics Tuebingen
Classification: Likely benign. Last evaluated: 2025-12-01. Review status: criteria provided, single submitter. Criteria: CeGaT Center For Human Genetics Tuebingen Variant Classification Criteria Version 2. Collection method: clinical testing. Allele origin: germline. Affected: yes. Observed: 1 variant allele.
Comment: MUC5B: BP4, BS1